The following is an entry in ClinVar:

NM_001370466.1(NOD2):c.2142G>A (p.Trp714Ter)

Gene: NOD2 (nucleotide binding oligomerization domain containing 2; plus strand). Cytogenetic location: 16q12.1.
Variant type: single nucleotide variant.
Coding change: c.2142G>A on transcript NM_001370466.1 (MANE Select); coding-DNA position 2142, G replaced by A.
Protein change: p.Trp714Ter; replaces tryptophan 714 with a stop codon.
Molecular consequence: nonsense. On other transcripts: non-coding transcript variant (1).
Genome position (GRCh38, 1-based): chr16:50,712,134, G>A. VCF-style: chr16-50712134-G-A. GRCh37 (hg19) VCF-style: chr16-50746045-G-A.
Other names: c.2142G>A, p.Trp714Ter (NM_001293557.2); c.2223G>A, p.Trp741Ter (NM_022162.3); short protein forms W714*, W741*.
Identifiers: ClinVar variation 3756368 (VCV003756368.2).

ClinVar aggregate classification (germline): Uncertain significance (1 of 4 stars; one submission).

Conditions:
Regional enteritis. Also called: Enteritis, Granulomatous. Identifiers: MedGen C0678202, MeSH D003424.
Blau syndrome (BLAUS). Also called: GRANULOMATOSIS, FAMILIAL JUVENILE SYSTEMIC; GRANULOMATOSIS, FAMILIAL, BLAU TYPE; GRANULOMATOUS INFLAMMATORY ARTHRITIS, DERMATITIS, AND UVEITIS, FAMILIAL; JABS SYNDROME; ARTHROCUTANEOUVEAL GRANULOMATOSIS. Identifiers: Orphanet 90340, MedGen C5201146, MONDO:0008523, OMIM 186580.

Submission:

Labcorp Genetics (formerly Invitae), Labcorp
Classification: Uncertain significance for Regional enteritis; Blau syndrome. Last evaluated: 2024-05-15. Review status: criteria provided, single submitter. Criteria: Invitae Variant Classification Sherloc (09022015). Collection method: clinical testing. Allele origin: germline.
Comment: This sequence change creates a premature translational stop signal (p.Trp741*) in the NOD2 gene. It is expected to result in an absent or disrupted protein product. However, the current clinical and genetic evidence is not sufficient to establish whether loss-of-function variants in NOD2 cause disease. This variant is not present in population databases (gnomAD no frequency). This variant has not been reported in the literature in individuals affected with NOD2-related conditions. In summary, the available evidence is currently insufficient to determine the role of this variant in disease. Therefore, it has been classified as a Variant of Uncertain Significance.